The following is an entry in ClinVar:

NM_014727.3(KMT2B):c.286_287del (p.Gly96fs)

Gene: KMT2B (lysine methyltransferase 2B; plus strand). Cytogenetic location: 19q13.12.
Variant type: Deletion.
Coding change: c.286_287del on transcript NM_014727.3 (MANE Select); coding-DNA positions 286 to 287, 2 bases deleted (GG; older notation c.286_287delGG).
Protein change: p.Gly96fs; shifts the reading frame from glycine 96.
Molecular consequence: frameshift variant.
Genome position (GRCh38, 1-based): chr19:35,718,304-35,718,305, GG deleted; deleting any 2 consecutive bases within chr19:35,718,302-35,718,305 gives the same sequence; the c. name uses the placement nearest the transcript's 3' end. VCF-style (leftmost placement, unchanged base first): chr19-35718301-CGG-C. GRCh37 (hg19) VCF-style: chr19-36209203-CGG-C.
Other names: short protein forms G96fs.
Identifiers: ClinVar variation 3382636 (VCV003382636.2).

ClinVar aggregate classification (germline): Likely pathogenic (1 of 4 stars; one submission).

Conditions:
Intellectual developmental disorder, autosomal dominant 68 (MRD68). Also called: MENTAL RETARDATION, AUTOSOMAL DOMINANT 68. Identifiers: MedGen C5677008, MONDO:0030969, OMIM 619934.
Dystonia 28, childhood-onset (DYT28). Also called: KMT2B-Related Dystonia (DYT-KMT2B). Identifiers: Orphanet 589618, MedGen C4310633, MONDO:0015004, OMIM 617284.

Submission:

Juno Genomics, Hangzhou Juno Genomics, Inc
Classification: Likely pathogenic for Dystonia 28, childhood-onset; Intellectual developmental disorder, autosomal dominant 68. Review status: criteria provided, single submitter. Criteria: ACMG Guidelines, 2015. Collection method: clinical testing. Allele origin: germline. Affected: yes.
Comment: Null variant in a gene where loss of function (LOF) is a known mechanism of disease.;Absent from controls (or at extremely low frequency if recessive) in Genome Aggregation Database, Exome Sequencing Project, 1000 Genomes Project, or Exome Aggregation Consortium.